The following is an entry in ClinVar:

NM_000264.5(PTCH1):c.2327A>C (p.Asp776Ala)

Genes: PTCH1 (patched 1; minus strand), LOC100507346 (uncharacterized LOC100507346; plus strand). Cytogenetic location: 9q22.32.
Variant type: single nucleotide variant.
Coding change: c.2327A>C on transcript NM_000264.5 (MANE Select); coding-DNA position 2327, A replaced by C.
Protein change: p.Asp776Ala; replaces aspartic acid 776 with alanine.
Molecular consequence: missense variant. On other transcripts: non-coding transcript variant (1).
Genome position (GRCh38, 1-based): chr9:95,467,349, T>G on the plus strand (A>C on the coding strand, the complement: PTCH1 is on the minus strand). VCF-style: chr9-95467349-T-G. GRCh37 (hg19) VCF-style: chr9-98229631-T-G.
Other names: c.2129A>C, p.Asp710Ala (NM_001083602.3); c.2324A>C, p.Asp775Ala (NM_001083603.3); c.1874A>C, p.Asp625Ala (NM_001083604.3, NM_001083605.3, NM_001083606.3 and 1 more transcripts); c.2171A>C, p.Asp724Ala (NM_001354918.2); short protein forms D710A, D775A, D625A, D776A, D724A.
Identifiers: ClinVar variation 3311188 (VCV003311188.1).
Genomic context (GRCh38, chr9:95,467,349, plus strand): 5'-TTGAATTGTGCAGCAATAAAGTCATATTCTCTGGTTTCCCGAGGTACAATGTCCGTAAGG[T>G]CCAGCCCGTCTCTCACTCGGGTGGTGCCATAAAGGCTGACCCCCAGCAAGCCCAGAAAAA-3'
Protein context (NP_000255.2, residues 766-786): YGTTRVRDGL[Asp776Ala]LTDIVPRETR

ClinVar aggregate classification (germline): Uncertain significance (1 of 4 stars; one submission).

Conditions:
Hereditary cancer-predisposing syndrome. Also called: Neoplastic Syndromes, Hereditary; Tumor predisposition; Hereditary neoplastic syndrome; Hereditary Cancer Syndrome. Identifiers: Orphanet 140162, MedGen C0027672, MeSH D009386, MONDO:0015356.

Submission:

Ambry Genetics
Classification: Uncertain significance for Hereditary cancer-predisposing syndrome. Last evaluated: 2024-05-24. Review status: criteria provided, single submitter. Criteria: Ambry Variant Classification Scheme 2023. Collection method: clinical testing. Allele origin: germline.
Comment: The p.D776A variant (also known as c.2327A>C), located in coding exon 15 of the PTCH1 gene, results from an A to C substitution at nucleotide position 2327. The aspartic acid at codon 776 is replaced by alanine, an amino acid with dissimilar properties. This amino acid position is conserved. In addition, the in silico prediction for this alteration is inconclusive. Based on the available evidence, the clinical significance of this variant remains unclear.